The following is an entry in ClinVar:

ClinVar aggregate classification (germline): Uncertain significance (1 of 4 stars; one submission).

Allele frequency attached by ClinVar (database versions not stated): gnomAD 0.00001; TOPMed 0.00001; ExAC 0.00002; gnomAD exomes 0.00002.

Submission:

Labcorp Genetics (formerly Invitae), Labcorp
Classification: Uncertain significance. Last evaluated: 2020-12-21. Review status: criteria provided, single submitter. Criteria: Invitae Variant Classification Sherloc (09022015). Collection method: clinical testing. Allele origin: germline.
Comment: This sequence change replaces valine with methionine at codon 756 of the SLC9A3 protein (p.Val756Met). The valine residue is moderately conserved and there is a small physicochemical difference between valine and methionine. In summary, the available evidence is currently insufficient to determine the role of this variant in disease. Therefore, it has been classified as a Variant of Uncertain Significance. Algorithms developed to predict the effect of missense changes on protein structure and function are either unavailable or do not agree on the potential impact of this missense change (SIFT: "Not Available"; PolyPhen-2: "Benign"; Align-GVGD: "Not Available"). This variant has not been reported in the literature in individuals with SLC9A3-related conditions. This variant is present in population databases (rs772125079, ExAC 0.02%).

NM_004174.4(SLC9A3):c.2266G>A (p.Val756Met)

Genes: SLC9A3 (solute carrier family 9 member A3), SLC9A3-AS1 (SLC9A3 antisense RNA 1; plus strand). Cytogenetic location: 5p15.33.
Variant type: single nucleotide variant.
Coding change: c.2266G>A on transcript NM_004174.4 (MANE Select); coding-DNA position 2266, G replaced by A.
Protein change: p.Val756Met; replaces valine 756 with methionine.
Molecular consequence: missense variant.
Genome position (GRCh38, 1-based): chr5:475,118, C>T on the plus strand (G>A on the coding strand, the complement: SLC9A3 is on the minus strand). VCF-style: chr5-475118-C-T. GRCh37 (hg19) VCF-style: chr5-475233-C-T.
Other names: c.2239G>A, p.Val747Met (NM_001284351.3); short protein forms V747M, V756M.
Identifiers: ClinVar variation 1355830 (VCV001355830.6), dbSNP rs772125079, ClinGen allele CA3175497.